The following is an entry in ClinVar:

NM_015692.5(CPAMD8):c.182C>T (p.Thr61Met)

Gene: CPAMD8 (C3 and PZP like alpha-2-macroglobulin domain containing 8; minus strand). Cytogenetic location: 19p13.11.
Variant type: single nucleotide variant.
Coding change: c.182C>T on transcript NM_015692.5 (MANE Select); coding-DNA position 182, C replaced by T.
Protein change: p.Thr61Met; replaces threonine 61 with methionine.
Molecular consequence: missense variant. On other transcripts: non-coding transcript variant (1).
Genome position (GRCh38, 1-based): chr19:17,022,092, G>A on the plus strand (C>T on the coding strand, the complement: CPAMD8 is on the minus strand). VCF-style: chr19-17022092-G-A. GRCh37 (hg19) VCF-style: chr19-17132902-G-A.
Other names: c.323C>T (NM_015692.2); short protein forms T61M.
Identifiers: ClinVar variation 2048349 (VCV002048349.6), dbSNP rs186779378, ClinGen allele CA9286271.
Genomic context (GRCh38, chr19:17,022,092, plus strand): 5'-AGGATGGCTCCCTGGCTCTGCACCACCGGCTCACCCTGGGCCACCAGCTGAGCCTGGACC[G>A]TGACTTCCCTTGGAGAGTTAAAGATGGTCACGCTGATGACTTCCTCCACGCCCGCGCGAA-3'
Protein context (NP_056507.3, residues 51-71): VTIFNSPREV[Thr61Met]VQAQLVAQGE

ClinVar aggregate classification (germline): Benign. Review status: criteria provided, single submitter (1 of 4 stars). 2 submissions from 2 submitters: Benign (1). 1 of the submissions does not count toward it. Last evaluated 2025-09-28.

Conditions:
CPAMD8-related disorder. Also called: CPAMD8-related condition.

Allele frequency attached by ClinVar (database versions not stated): 1000 Genomes Project 30x 0.00016; TOPMed 0.00147; ESP Exome Variant Server 0.00189; gnomAD exomes 0.00277; gnomAD 0.00279; ExAC 0.00367.
gnomAD v4.1: 4,420 of 1,605,336 alleles (0.28%); highest among the groups gnomAD compares: Non-Finnish European, 0.26%; 15 homozygotes.

Submissions (2):

Labcorp Genetics (formerly Invitae), Labcorp
Classification: Benign. Last evaluated: 2025-09-28. Review status: criteria provided, single submitter. Criteria: Invitae Variant Classification Sherloc (09022015). Collection method: clinical testing. Allele origin: germline.

PreventionGenetics, part of Exact Sciences
Classification: Benign for CPAMD8-related condition. Last evaluated: 2019-06-23. Review status: no assertion criteria provided. Collection method: clinical testing. Allele origin: germline. Not counted in ClinVar's aggregate classification.
Comment: This variant is classified as benign based on ACMG/AMP sequence variant interpretation guidelines (Richards et al. 2015 PMID: 25741868, with internal and published modifications).